The following is an entry in ClinVar:

NM_007055.4(POLR3A):c.1909+28_1909+76dup

Gene: POLR3A (RNA polymerase III subunit A; minus strand). Cytogenetic location: 10q22.3.
Variant type: Duplication.
Coding change: c.1909+28_1909+76dup on transcript NM_007055.4 (MANE Select); bases 28 to 76 of the intron after coding-DNA position 1909, 49 bases duplicated.
Molecular consequence: intron variant.
Genome position (GRCh38, 1-based): chr10:78,009,461-78,009,509, 49 bases duplicated; duplicating any 49 consecutive bases within chr10:78,009,461-78,009,510 gives the same sequence; the c. name uses the placement nearest the transcript's 3' end. GRCh37 (hg19): chr10:79,769,220-79,769,268.
Identifiers: ClinVar variation 4292532 (VCV004292532.1).
Genomic context (GRCh38, chr10:78,009,460, plus strand): 5'-AAGAAAAAACTTTCCACCTAAGGCTTACAGAAACAATGAATTTGCTTGCTTCGCGAAGGT[A>ACCAGCAAAGCTGATGACCAGCCACTTGCTTTTCTGTCACGTTCCTCCTT]CCAGCAAAGCTGATGACCAGCCACTTGCTTTTCTGTCACGTTCCTCCTTCTCCCCACCCG-3'

ClinVar aggregate classification (germline): Uncertain significance (1 of 4 stars; one submission).

Conditions:
POLR3A-related disorder. Also called: POLR3A-related condition; POLR3A-related disorders. Identifiers: MedGen CN378587, MONDO:0700276.

Submission:

3billion
Classification: Uncertain significance for POLR3A-related disorder. Last evaluated: 2025-01-31. Review status: criteria provided, single submitter. Criteria: ACMG Guidelines, 2015. Collection method: clinical testing. Allele origin: germline. Affected: yes.
Comment: The variant is observed at an extremely low frequency in the gnomAD v4.1.0 dataset (total allele frequency: 0.241%). Predicted Consequence/Location: Intron variant Damaging effect on gene or gene product predicted by in silico programs is uncertain [SpliceAI: 0.10 (spliceogenicity >=0.2, non-spliceogenicity <0.1)]. The variant has been reported to be in trans with a pathogenic variant as either compound heterozygous or homozygous in at least 4 similarly affected unrelated individuals (PMID: 28459997, 30323018, 30847471). The variant has been reported to co-segregate with the disease in at least 3 similarly affected relatives/individuals in the same family or similarly affected unrelated family (PMID: 28459997). The variant has been reported at least twice as pathogenic with clinical assertions and evidence for the classification (ClinVar ID: VCV000445922 /PMID: 27029625 /3billion dataset). Therefore, this variant is classified as Pathogenic according to the recommendation of ACMG/AMP guideline.